The following is an entry in ClinVar:

NM_032217.5(ANKRD17):c.4879A>C (p.Ser1627Arg)

Gene: ANKRD17 (ankyrin repeat domain 17; minus strand). Cytogenetic location: 4q13.3.
Variant type: single nucleotide variant.
Coding change: c.4879A>C on transcript NM_032217.5 (MANE Select); coding-DNA position 4879, A replaced by C.
Protein change: p.Ser1627Arg; replaces serine 1627 with arginine.
Molecular consequence: missense variant.
Genome position (GRCh38, 1-based): chr4:73,098,215, T>G on the plus strand (A>C on the coding strand, the complement: ANKRD17 is on the minus strand). VCF-style: chr4-73098215-T-G. GRCh37 (hg19) VCF-style: chr4-73963932-T-G.
Other names: c.4540A>C, p.Ser1514Arg (NM_001286771.3); c.4876A>C, p.Ser1626Arg (NM_015574.2); c.4126A>C, p.Ser1376Arg (NM_198889.3); short protein forms S1376R, S1514R, S1627R, S1626R.
Identifiers: ClinVar variation 5008732 (VCV005008732.1).
Genomic context (GRCh38, chr4:73,098,215, plus strand): 5'-CAGTGGTAGTGACCACAGCTGGTGAATGATTGTCACTCTTACGACTGCTGTTGCTGTTAC[T>G]ACTTTCATCGCTGCAGCTGGAAATCCTCATGTTATCACTGTCCCCACTCTCGCTGGTACT-3'
Protein context (NP_115593.3, residues 1617-1637): MRISSCSDES[Ser1627Arg]NSNSSRKSDN

ClinVar aggregate classification (germline): Uncertain significance (1 of 4 stars; one submission).

Submission:

GeneDx
Classification: Uncertain significance. Last evaluated: 2026-03-06. Review status: criteria provided, single submitter. Criteria: GeneDx Variant Classification Process June 2021. Collection method: clinical testing. Allele origin: germline.
Comment: Not observed at significant frequency in large population cohorts (gnomAD); In silico analysis supports that this missense variant has a deleterious effect on protein structure/function; Has not been previously published as pathogenic or benign to our knowledge